The following is an entry in ClinVar:

ClinVar aggregate classification (germline): Uncertain significance. Review status: criteria provided, multiple submitters, no conflicts (2 of 4 stars). 2 submissions from 2 submitters: Uncertain significance (2). Last evaluated 2024-11-13.

Conditions:
Hereditary cancer-predisposing syndrome. Also called: Tumor predisposition; Neoplastic Syndromes, Hereditary; Hereditary Cancer Syndrome; Hereditary neoplastic syndrome. Identifiers: Orphanet 140162, MedGen C0027672, MeSH D009386, MONDO:0015356.
Neuroblastoma, susceptibility to, 3. Also called: ALK-Related Neuroblastic Tumor Susceptibility. Identifiers: Orphanet 635, MedGen C2751681, MONDO:0013083, OMIM 613014.

gnomAD v4.1: 1 of 1,614,048 alleles (0.000062%); highest among the groups gnomAD compares: Non-Finnish European, 0.000085%; no homozygotes.

Submissions (2):

Labcorp Genetics (formerly Invitae), Labcorp
Classification: Uncertain significance for Neuroblastoma, susceptibility to, 3. Last evaluated: 2024-11-13. Review status: criteria provided, single submitter. Criteria: Invitae Variant Classification Sherloc (09022015). Collection method: clinical testing. Allele origin: germline.
Comment: This sequence change replaces threonine, which is neutral and polar, with isoleucine, which is neutral and non-polar, at codon 535 of the ALK protein (p.Thr535Ile). This variant is not present in population databases (gnomAD no frequency). This variant has not been reported in the literature in individuals affected with ALK-related conditions. ClinVar contains an entry for this variant (Variation ID: 1776240). An algorithm developed to predict the effect of missense changes on protein structure and function (PolyPhen-2) suggests that this variant is likely to be disruptive. In summary, the available evidence is currently insufficient to determine the role of this variant in disease. Therefore, it has been classified as a Variant of Uncertain Significance.

Ambry Genetics
Classification: Uncertain significance for Hereditary cancer-predisposing syndrome. Last evaluated: 2024-09-20. Review status: criteria provided, single submitter. Criteria: Ambry Variant Classification Scheme 2023. Collection method: clinical testing. Allele origin: germline.
Comment: The p.T535I variant (also known as c.1604C>T), located in coding exon 8 of the ALK gene, results from a C to T substitution at nucleotide position 1604. The threonine at codon 535 is replaced by isoleucine, an amino acid with similar properties. This amino acid position is conserved. In addition, the in silico prediction for this alteration is inconclusive. Since supporting evidence is limited at this time, the clinical significance of this alteration remains unclear.

NM_004304.5(ALK):c.1604C>T (p.Thr535Ile)

Gene: ALK (ALK receptor tyrosine kinase; minus strand). Cytogenetic location: 2p23.2.
Variant type: single nucleotide variant.
Coding change: c.1604C>T on transcript NM_004304.5 (MANE Select); coding-DNA position 1604, C replaced by T.
Protein change: p.Thr535Ile; replaces threonine 535 with isoleucine.
Molecular consequence: missense variant.
Genome position (GRCh38, 1-based): chr2:29,318,347, G>A on the plus strand (C>T on the coding strand, the complement: ALK is on the minus strand). VCF-style: chr2-29318347-G-A. GRCh37 (hg19) VCF-style: chr2-29541213-G-A.
Other names: short protein forms T535I.
Identifiers: ClinVar variation 1776240 (VCV001776240.9), dbSNP rs1241703232, ClinGen allele CA346471064.